The following is an entry in ClinVar:

NM_000133.4(F9):c.1293G>T (p.Trp431Cys)

Gene: F9 (coagulation factor IX; plus strand). Cytogenetic location: Xq27.1.
Variant type: single nucleotide variant.
Coding change: c.1293G>T on transcript NM_000133.4 (MANE Select); coding-DNA position 1293, G replaced by T.
Protein change: p.Trp431Cys; replaces tryptophan 431 with cysteine.
Molecular consequence: missense variant.
Genome position (GRCh38, 1-based): chrX:139,561,978, G>T. VCF-style: chrX-139561978-G-T. GRCh37 (hg19) VCF-style: chrX-138644137-G-T.
Other names: c.1179G>T, p.Trp393Cys (NM_001313913.2); short protein forms W393C, W431C.
Identifiers: ClinVar variation 2925701 (VCV002925701.3), dbSNP rs1371750567, ClinGen allele CA414447148.
Genomic context (GRCh38, chrX:139,561,978, plus strand): 5'-TGGGGGACCCCATGTTACTGAAGTGGAAGGGACCAGTTTCTTAACTGGAATTATTAGCTG[G>T]GGTGAAGAGTGTGCAATGAAAGGCAAATATGGAATATATACCAAGGTATCCCGGTATGTC-3'
Protein context (NP_000124.1, residues 421-441): GTSFLTGIIS[Trp431Cys]GEECAMKGKY

ClinVar aggregate classification (germline): Pathogenic (1 of 4 stars; one submission).

Conditions:
Thrombophilia, X-linked, due to factor 9 defect. Identifiers: MedGen C2749016, MONDO:0010432, OMIM 300807.
Hereditary factor IX deficiency disease (HEMB). Also called: F9 DEFICIENCY; FACTOR IX DEFICIENCY; PLASMA THROMBOPLASTIN COMPONENT DEFICIENCY; Hemophilia B; Christmas Disease. Identifiers: Orphanet 98879, MedGen C0008533, MeSH D002836, MONDO:0010604, OMIM 306900.

Submission:

Labcorp Genetics (formerly Invitae), Labcorp
Classification: Pathogenic for Thrombophilia, X-linked, due to factor 9 defect; Hereditary factor IX deficiency disease. Last evaluated: 2023-04-12. Review status: criteria provided, single submitter. Criteria: Invitae Variant Classification Sherloc (09022015). Collection method: clinical testing. Allele origin: germline.
Comment: For these reasons, this variant has been classified as Pathogenic. This variant disrupts the p.Trp431 amino acid residue in F9. Other variant(s) that disrupt this residue have been observed in individuals with F9-related conditions (PMID: 7937052, 19699296, 22639855), which suggests that this may be a clinically significant amino acid residue. Advanced modeling of protein sequence and biophysical properties (such as structural, functional, and spatial information, amino acid conservation, physicochemical variation, residue mobility, and thermodynamic stability) performed at Invitae indicates that this missense variant is expected to disrupt F9 protein function. This variant is also known as 31.276G>T 385W>C. This missense change has been observed in individuals with hemophilia B (PMID: 7937052, 19699296; Invitae). This variant is not present in population databases (gnomAD no frequency). This sequence change replaces tryptophan, which is neutral and slightly polar, with cysteine, which is neutral and slightly polar, at codon 431 of the F9 protein (p.Trp431Cys).

Literature cited by the submitters: PubMed 7937052; PubMed 19699296; PubMed 22639855.